The following is an entry in ClinVar:

NM_005477.3(HCN4):c.214C>G (p.Leu72Val)

Gene: HCN4 (hyperpolarization activated cyclic nucleotide gated potassium channel 4; minus strand). Cytogenetic location: 15q24.1.
Variant type: single nucleotide variant.
Coding change: c.214C>G on transcript NM_005477.3 (MANE Select); coding-DNA position 214, C replaced by G.
Protein change: p.Leu72Val; replaces leucine 72 with valine.
Molecular consequence: missense variant.
Genome position (GRCh38, 1-based): chr15:73,368,057, G>C on the plus strand (C>G on the coding strand, the complement: HCN4 is on the minus strand). VCF-style: chr15-73368057-G-C. GRCh37 (hg19) VCF-style: chr15-73660398-G-C.
Other names: short protein forms L72V.
Identifiers: ClinVar variation 2729551 (VCV002729551.3), dbSNP rs2043137832, ClinGen allele CA393098695.

ClinVar aggregate classification (germline): Uncertain significance (1 of 4 stars; one submission).

Conditions:
Brugada syndrome 8 (BRGDA8). Identifiers: Orphanet 130, MedGen C2751083, MONDO:0013148, OMIM 613123.

gnomAD v4.1: 5 of 1,478,854 alleles (0.00034%); highest among the groups gnomAD compares: South Asian, 0.0064%; no homozygotes.

Submission:

Labcorp Genetics (formerly Invitae), Labcorp
Classification: Uncertain significance for Brugada syndrome 8. Last evaluated: 2025-05-01. Review status: criteria provided, single submitter. Criteria: Invitae Variant Classification Sherloc (09022015). Collection method: clinical testing. Allele origin: germline.
Comment: This sequence change replaces leucine, which is neutral and non-polar, with valine, which is neutral and non-polar, at codon 72 of the HCN4 protein (p.Leu72Val). This variant is not present in population databases (gnomAD no frequency). This variant has not been reported in the literature in individuals affected with HCN4-related conditions. ClinVar contains an entry for this variant (Variation ID: 2729551). Invitae Evidence Modeling of protein sequence and biophysical properties (such as structural, functional, and spatial information, amino acid conservation, physicochemical variation, residue mobility, and thermodynamic stability) indicates that this missense variant is not expected to disrupt HCN4 protein function with a negative predictive value of 95%. In summary, the available evidence is currently insufficient to determine the role of this variant in disease. Therefore, it has been classified as a Variant of Uncertain Significance.